The following is an entry in ClinVar:

ClinVar aggregate classification (germline): Conflicting classifications of pathogenicity. Review status: criteria provided, conflicting classifications (1 of 4 stars). 2 submissions from 2 submitters: Uncertain significance (1); Likely benign (1). Last evaluated 2023-12-13.

Allele frequency attached by ClinVar (database versions not stated): gnomAD 0.00001; gnomAD exomes 0.00001; ExAC 0.00002; TOPMed 0.00002; 1000 Genomes Project 30x 0.00016; 1000 Genomes Project 0.00020.
gnomAD v4.1: 12 of 1,537,780 alleles (0.00078%); highest among the groups gnomAD compares: East Asian, 0.0023%; no homozygotes.

Submissions (2):

Labcorp Genetics (formerly Invitae), Labcorp
Classification: Uncertain significance. Last evaluated: 2023-12-13. Review status: criteria provided, single submitter. Criteria: Invitae Variant Classification Sherloc (09022015). Collection method: clinical testing. Allele origin: germline.
Comment: This sequence change affects codon 175 of the ITPR1 mRNA. It is a 'silent' change, meaning that it does not change the encoded amino acid sequence of the ITPR1 protein. It affects a nucleotide within the consensus splice site. The frequency data for this variant in the population databases is considered unreliable, as metrics indicate poor data quality at this position in the gnomAD database. This variant has not been reported in the literature in individuals affected with ITPR1-related conditions. ClinVar contains an entry for this variant (Variation ID: 1191453). Algorithms developed to predict the effect of sequence changes on RNA splicing suggest that this variant is not likely to affect RNA splicing. In summary, the available evidence is currently insufficient to determine the role of this variant in disease. Therefore, it has been classified as a Variant of Uncertain Significance.

GeneDx
Classification: Likely benign. Last evaluated: 2021-01-15. Review status: criteria provided, single submitter. Criteria: GeneDx Variant Classification Process June 2021. Collection method: clinical testing. Allele origin: germline. Affected: yes.

NM_001378452.1(ITPR1):c.525C>T (p.Ser175=)

Gene: ITPR1 (inositol 1,4,5-trisphosphate receptor type 1; plus strand). Cytogenetic location: 3p26.1.
Variant type: single nucleotide variant.
Coding change: c.525C>T on transcript NM_001378452.1 (MANE Select); coding-DNA position 525, C replaced by T.
Protein change: p.Ser175=; no amino-acid change (serine 175 retained).
Molecular consequence: synonymous variant.
Genome position (GRCh38, 1-based): chr3:4,642,251, C>T. VCF-style: chr3-4642251-C-T. GRCh37 (hg19) VCF-style: chr3-4683935-C-T.
Other names: c.525C>T, p.Ser175= (NM_001099952.4, NM_001168272.2, NM_002222.7).
Identifiers: ClinVar variation 1191453 (VCV001191453.5), dbSNP rs539657017, ClinGen allele CA2230876.